The following is an entry in ClinVar:

ClinVar aggregate classification (germline): Conflicting classifications of pathogenicity. Review status: criteria provided, conflicting classifications (1 of 4 stars). 4 submissions from 4 submitters: Uncertain significance (3); Likely benign (1). Last evaluated 2025-12-24.

Conditions:
Cardiovascular phenotype. Identifiers: MedGen CN230736.
Long QT syndrome (LQTS). Identifiers: MedGen C0023976, MeSH D008133, MONDO:0002442. Disease mechanism: loss of function. Inheritance: Various modes of inheritance.
Long QT syndrome 11 (LQT11). Identifiers: Orphanet 101016, Orphanet 768, MedGen C2678483, MONDO:0012738, OMIM 611820.

Allele frequency attached by ClinVar (database versions not stated): gnomAD 0.00004 and 0.00013; 1000 Genomes Project 0.00040; TOPMed 0.00005; gnomAD exomes 0.00010 and 0.00019; 1000 Genomes Project 30x 0.00031; ExAC 0.00013.
gnomAD v4.1: 288 of 1,614,082 alleles (0.018%); highest among the groups gnomAD compares: East Asian, 0.64%; 1 homozygote.

Submissions (4):

Labcorp Genetics (formerly Invitae), Labcorp
Classification: Uncertain significance for Long QT syndrome. Last evaluated: 2025-12-24. Review status: criteria provided, single submitter. Criteria: Invitae Variant Classification Sherloc (09022015). Collection method: clinical testing. Allele origin: germline.
Comment: This sequence change replaces glutamine, which is neutral and polar, with arginine, which is basic and polar, at codon 2730 of the AKAP9 protein (p.Gln2730Arg). This variant is present in population databases (rs80191629, gnomAD 0.1%), and has an allele count higher than expected for a pathogenic variant. This variant has not been reported in the literature in individuals affected with AKAP9-related conditions. ClinVar contains an entry for this variant (Variation ID: 234978). An algorithm developed to predict the effect of missense changes on protein structure and function (PolyPhen-2) suggests that this variant is likely to be disruptive. In summary, the available evidence is currently insufficient to determine the role of this variant in disease. Therefore, it has been classified as a Variant of Uncertain Significance.

Center for Genomics, Ann and Robert H. Lurie Children's Hospital of Chicago
Classification: Uncertain significance for Long QT syndrome 11. Last evaluated: 2021-03-30. Review status: criteria provided, single submitter. Criteria: ACMG Guidelines, 2015. Collection method: clinical testing. Allele origin: germline.
Comment: AKAP9 NM_005751.4 exon 33 p.Gln2730Arg (c.8189A>G): This variant has not been reported in the literature and is present in 0.1% (24/18356) of East Asian alleles in the Genome Aggregation Database. This variant is present in ClinVar (Variation ID:234978). Evolutionary conservation and computational predictive tools suggest that this variant may not impact the protein. In summary, data on this variant is insufficient for disease classification. Therefore, the clinical significance of this variant is uncertain.

Ambry Genetics
Classification: Likely benign for Cardiovascular phenotype. Last evaluated: 2019-12-10. Review status: criteria provided, single submitter. Criteria: Ambry Variant Classification Scheme 2023. Collection method: clinical testing. Allele origin: germline.

Stanford Center for Inherited Cardiovascular Disease, Stanford University
Classification: Uncertain significance. Last evaluated: 2014-01-14. Review status: criteria provided, single submitter. Criteria: ACMG Guidelines, 2015. Collection method: provider interpretation. Allele origin: germline.

NM_005751.5(AKAP9):c.8189A>G (p.Gln2730Arg)

Gene: AKAP9 (A-kinase anchoring protein 9; plus strand). Cytogenetic location: 7q21.2.
Variant type: single nucleotide variant.
Coding change: c.8189A>G on transcript NM_005751.5 (MANE Select); coding-DNA position 8189, A replaced by G.
Protein change: p.Gln2730Arg; replaces glutamine 2730 with arginine.
Molecular consequence: missense variant.
Genome position (GRCh38, 1-based): chr7:92,083,198, A>G. VCF-style: chr7-92083198-A-G. GRCh37 (hg19) VCF-style: chr7-91712512-A-G.
Other names: c.2834A>G, p.Gln945Arg (NM_001379277.1); c.8165A>G, p.Gln2722Arg (NM_147185.3); short protein forms Q2730R, Q2722R, Q945R.
Identifiers: ClinVar variation 234978 (VCV000234978.14), dbSNP rs80191629, ClinGen allele CA4337448.